The following is an entry in ClinVar:

ClinVar aggregate classification (germline): Conflicting classifications of pathogenicity. Review status: criteria provided, conflicting classifications (1 of 4 stars). 3 submissions from 3 submitters: Uncertain significance (2); Likely benign (1). Last evaluated 2026-06-17.

Conditions:
Hereditary cancer-predisposing syndrome. Also called: Neoplastic Syndromes, Hereditary; Hereditary Cancer Syndrome; Hereditary neoplastic syndrome; Tumor predisposition. Identifiers: Orphanet 140162, MedGen C0027672, MeSH D009386, MONDO:0015356.

Allele frequency attached by ClinVar (database versions not stated): gnomAD exomes below 0.00001.
gnomAD v4.1: 1 of 1,613,718 alleles (0.000062%); highest among the groups gnomAD compares: Non-Finnish European, 0.000085%; no homozygotes.

Submissions (3):

Ambry Genetics
Classification: Uncertain significance for Hereditary cancer-predisposing syndrome. Last evaluated: 2026-06-17. Review status: criteria provided, single submitter. Criteria: Ambry Variant Classification Scheme 2023. Collection method: clinical testing. Allele origin: germline.
Comment: The p.E515K variant (also known as c.1543G>A), located in coding exon 9 of the BRCA1 gene, results from a G to A substitution at nucleotide position 1543. The glutamic acid at codon 515 is replaced by lysine, an amino acid with similar properties. This amino acid position is highly conserved in available vertebrate species. In addition, this alteration is predicted to be deleterious by in silico analysis. Based on the available evidence, the clinical significance of this variant remains unclear.

University of Washington Department of Laboratory Medicine, University of Washington
Classification: Likely benign for Hereditary cancer-predisposing syndrome. Last evaluated: 2023-03-23. Review status: criteria provided, single submitter. Criteria: Dines et al. (Genet Med. 2020). Collection method: curation. Allele origin: germline.
Comment: Missense variant in a coldspot region where missense variants are very unlikely to be pathogenic (PMID:31911673).

BRCA1 coldspot (exon 11 using historical exon numbering). Reclassification based on statistical prior probability

Color Diagnostics, LLC DBA Color Health
Classification: Uncertain significance for Hereditary cancer-predisposing syndrome. Last evaluated: 2019-06-22. Review status: criteria provided, single submitter. Criteria: ACMG Guidelines, 2015. Collection method: clinical testing. Allele origin: germline.

NM_007294.4(BRCA1):c.1543G>A (p.Glu515Lys)

Gene: BRCA1 (BRCA1 DNA repair associated; minus strand). Cytogenetic location: 17q21.31.
Variant type: single nucleotide variant.
Coding change: c.1543G>A on transcript NM_007294.4 (MANE Select); coding-DNA position 1543, G replaced by A.
Protein change: p.Glu515Lys; replaces glutamic acid 515 with lysine.
Molecular consequence: missense variant. On other transcripts: intron variant (137).
Genome position (GRCh38, 1-based): chr17:43,093,988, C>T on the plus strand (G>A on the coding strand, the complement: BRCA1 is on the minus strand). VCF-style: chr17-43093988-C-T. GRCh37 (hg19) VCF-style: chr17-41246005-C-T.
Other names: c.1330G>A, p.Glu444Lys (NM_001407571.1, NM_001407898.1, NM_001407899.1 and 9 more transcripts); c.1543G>A, p.Glu515Lys (NM_001407581.1, NM_001407582.1, NM_001407583.1 and 30 more transcripts); c.1540G>A, p.Glu514Lys (NM_001407587.1, NM_001407590.1, NM_001407591.1 and 22 more transcripts); c.1420G>A, p.Glu474Lys (NM_001407669.1, NM_001407674.1, NM_001407675.1 and 19 more transcripts); c.1417G>A, p.Glu473Lys (NM_001407670.1, NM_001407671.1, NM_001407672.1 and 11 more transcripts); c.1402G>A, p.Glu468Lys (NM_001407692.1, NM_001407694.1, NM_001407695.1 and 29 more transcripts); c.1333G>A, p.Glu445Lys (NM_001407879.1, NM_001407881.1, NM_001407900.1 and 13 more transcripts); c.1534G>A, p.Glu512Lys (NM_001407647.1, NM_001407646.1); and 40 more; short protein forms E515K, E468K, E387K, E388K, E445K, E514K, E404K, E427K.
Identifiers: ClinVar variation 631084 (VCV000631084.7), dbSNP rs886037990, ClinGen allele CA10598966.